The following is an entry in ClinVar:

NM_004984.4(KIF5A):c.1480C>T (p.Leu494=)

Gene: KIF5A (kinesin family member 5A; plus strand). Cytogenetic location: 12q13.3.
Variant type: single nucleotide variant.
Coding change: c.1480C>T on transcript NM_004984.4 (MANE Select); coding-DNA position 1480, C replaced by T.
Protein change: p.Leu494=; no amino-acid change (leucine 494 retained).
Molecular consequence: synonymous variant.
Genome position (GRCh38, 1-based): chr12:57,572,178, C>T. VCF-style: chr12-57572178-C-T. GRCh37 (hg19) VCF-style: chr12-57965961-C-T.
Other names: c.1213C>T, p.Leu405= (NM_001354705.2).
Identifiers: ClinVar variation 2684391 (VCV002684391.1), dbSNP rs2540504158, ClinGen allele CA480264800.
Genomic context (GRCh38, chr12:57,572,178, plus strand): 5'-CAATCAGAGAACGATGCCGCTAAGGATGAGGTGAAGGAAGTGCTGCAGGCCCTGGAGGAG[C>T]TGGCTGTGAACTATGACCAGAAGTCCCAGGAGGTGGAGGAGAAGAGCCAGCAGAACCAGC-3'
Protein context (NP_004975.2, residues 484-504): VKEVLQALEE[Leu494=]AVNYDQKSQE

ClinVar aggregate classification (germline): Uncertain significance (1 of 4 stars; one submission).

gnomAD v4.1: 3 of 1,613,790 alleles (0.00019%); highest among the groups gnomAD compares: Non-Finnish European, 0.00017%; no homozygotes.

Submission:

Athena Diagnostics
Classification: Uncertain significance. Last evaluated: 2022-12-16. Review status: criteria provided, single submitter. Criteria: Athena Diagnostics Criteria. Collection method: clinical testing. Allele origin: unknown.
Comment: Available data are insufficient to determine the clinical significance of the variant at this time. The frequency of this variant in the general population is higher than would generally be expected for pathogenic variants in this gene. Computational tools yielded predictions that this variant is unlikely to have an effect on normal RNA splicing.